The following is an entry in ClinVar:

ClinVar aggregate classification (germline): Pathogenic (1 of 4 stars; one submission).

Conditions:
Familial thoracic aortic aneurysm and aortic dissection (TAAD). Also called: Thoracic aortic aneurysms and dissections. Identifiers: Orphanet 91387, MedGen C4707243, MONDO:0019625.
Marfan syndrome (MFS). Also called: FBN1-Related Marfan Syndrome; Marfan syndrome type 1; Marfan's syndrome; Marfan syndrome, classic; MARFAN SYNDROME, TYPE I. Identifiers: Orphanet 284963, Orphanet 558, MedGen C0024796, MONDO:0007947, OMIM 154700.

Submission:

Labcorp Genetics (formerly Invitae), Labcorp
Classification: Pathogenic for Marfan syndrome; Familial thoracic aortic aneurysm and aortic dissection. Last evaluated: 2018-08-04. Review status: criteria provided, single submitter. Criteria: Invitae Variant Classification Sherloc (09022015). Collection method: clinical testing. Allele origin: germline.
Comment: This variant is not present in population databases (ExAC no frequency). Loss-of-function variants in FBN1 are known to be pathogenic (PMID: 17657824, 19293843). For these reasons, this variant has been classified as Pathogenic. This sequence change creates a premature translational stop signal (p.Asn2031*) in the FBN1 gene. It is expected to result in an absent or disrupted protein product.

Literature cited by the submitters: PubMed 17657824; PubMed 19293843.

NM_000138.5(FBN1):c.6090dup (p.Asn2031Ter)

Gene: FBN1 (fibrillin 1; minus strand). Cytogenetic location: 15q21.1.
Variant type: Duplication.
Coding change: c.6090dup on transcript NM_000138.5 (MANE Select); coding-DNA position 6090, one base duplicated (T; older notation c.6090dupT).
Protein change: p.Asn2031Ter; replaces asparagine 2031 with a stop codon.
Molecular consequence: nonsense.
Genome position (GRCh38, 1-based): chr15:48,441,794, A duplicated on the plus strand (T on the coding strand, the reverse complement: FBN1 is on the minus strand). VCF-style (leftmost placement, unchanged base first): chr15-48441793-T-TA. GRCh37 (hg19) VCF-style: chr15-48733990-T-TA.
Other names: c.6090dupT (NM_000138.4); short protein forms N2031*.
Identifiers: ClinVar variation 658886 (VCV000658886.8), dbSNP rs1597529775, ClinGen allele CA645584726.